The following is an entry in ClinVar:

ClinVar aggregate classification (germline): Pathogenic (1 of 4 stars; one submission).

Allele frequency attached by ClinVar (database versions not stated): gnomAD exomes below 0.00001; gnomAD 0.00001.
gnomAD v4.1: 4 of 1,607,758 alleles (0.00025%); highest among the groups gnomAD compares: Admixed American, 0.0017%; no homozygotes.

Submission:

Labcorp Genetics (formerly Invitae), Labcorp
Classification: Pathogenic. Last evaluated: 2019-05-07. Review status: criteria provided, single submitter. Criteria: Invitae Variant Classification Sherloc (09022015). Collection method: clinical testing. Allele origin: germline.
Comment: This sequence change creates a premature translational stop signal (p.Arg862*) in the LIFR gene. It is expected to result in an absent or disrupted protein product. For these reasons, this variant has been classified as Pathogenic. Loss-of-function variants in LIFR are known to be pathogenic (PMID: 14740318). This variant has not been reported in the literature in individuals with LIFR-related conditions. This variant is not present in population databases (ExAC no frequency).

Literature cited by the submitters: PubMed 14740318.

NM_001127671.2(LIFR):c.2584C>T (p.Arg862Ter)

Gene: LIFR (LIF receptor subunit alpha; minus strand). Cytogenetic location: 5p13.1.
Variant type: single nucleotide variant.
Coding change: c.2584C>T on transcript NM_001127671.2 (MANE Select); coding-DNA position 2584, C replaced by T.
Protein change: p.Arg862Ter; replaces arginine 862 with a stop codon.
Molecular consequence: nonsense.
Genome position (GRCh38, 1-based): chr5:38,484,782, G>A on the plus strand (C>T on the coding strand, the complement: LIFR is on the minus strand). VCF-style: chr5-38484782-G-A. GRCh37 (hg19) VCF-style: chr5-38484884-G-A.
Other names: c.2584C>T, p.Arg862Ter (NM_001364297.2, NM_002310.6); c.2551C>T, p.Arg851Ter (NM_001364298.2); short protein forms R862*, R851*.
Identifiers: ClinVar variation 947233 (VCV000947233.7), dbSNP rs1436005137, ClinGen allele CA359535313.